The following is an entry in ClinVar:

NM_000388.4(CASR):c.3025C>T (p.Arg1009Ter)

Gene: CASR (calcium sensing receptor; plus strand). Cytogenetic location: 3q21.1.
Variant type: single nucleotide variant.
Coding change: c.3025C>T on transcript NM_000388.4 (MANE Select); coding-DNA position 3025, C replaced by T.
Protein change: p.Arg1009Ter; replaces arginine 1009 with a stop codon.
Molecular consequence: nonsense.
Genome position (GRCh38, 1-based): chr3:122,284,979, C>T. VCF-style: chr3-122284979-C-T. GRCh37 (hg19) VCF-style: chr3-122003826-C-T.
Other names: c.3055C>T, p.Arg1019Ter (NM_001178065.2); short protein forms R1009*, R1019*.
Identifiers: ClinVar variation 1021644 (VCV001021644.11), dbSNP rs1256856876, ClinGen allele CA354161287.

ClinVar aggregate classification (germline): Conflicting classifications of pathogenicity. Review status: criteria provided, conflicting classifications (1 of 4 stars). 3 submissions from 3 submitters: Likely pathogenic (1); Uncertain significance (2). Last evaluated 2024-10-10.

Conditions:
Autosomal dominant hypocalcemia 1 (HYPOC1). Also called: HYPOCALCEMIA, FAMILIAL. Identifiers: MedGen C3715128, MONDO:0011013, OMIM 601198.
Familial hypocalciuric hypercalcemia (FHH). Also called: Familial benign hypercalcemia. Identifiers: Orphanet 405, MedGen C1809471, MONDO:0018458.
Nephrolithiasis/nephrocalcinosis. Identifiers: MedGen CN580796.

gnomAD v4.1: 1 of 1,614,194 alleles (0.000062%); highest among the groups gnomAD compares: East Asian, 0.0022%; no homozygotes.

Submissions (3):

Labcorp Genetics (formerly Invitae), Labcorp
Classification: Uncertain significance for Familial hypocalciuric hypercalcemia; Autosomal dominant hypocalcemia 1. Last evaluated: 2024-10-10. Review status: criteria provided, single submitter. Criteria: Invitae Variant Classification Sherloc (09022015). Collection method: clinical testing. Allele origin: germline.
Comment: This sequence change creates a premature translational stop signal (p.Arg1009*) in the CASR gene. While this is not anticipated to result in nonsense mediated decay, it is expected to disrupt the last 70 amino acid(s) of the CASR protein. This variant is present in population databases (no rsID available, gnomAD 0.006%). This premature translational stop signal has been observed in individual(s) with seizures (PMID: 35571021). ClinVar contains an entry for this variant (Variation ID: 1021644). In summary, the available evidence is currently insufficient to determine the role of this variant in disease. Therefore, it has been classified as a Variant of Uncertain Significance.

Ambry Genetics
Classification: Uncertain significance for Nephrolithiasis/nephrocalcinosis. Last evaluated: 2024-10-02. Review status: criteria provided, single submitter. Criteria: Ambry Variant Classification Scheme 2023. Collection method: clinical testing. Allele origin: germline.
Comment: The p.R1009* variant (also known as c.3025C>T), located in coding exon 6 of the CASR gene, results from a C to T substitution at nucleotide position 3025. This changes the amino acid from an arginine to a stop codon within coding exon 6. This alteration occurs at the 3' terminus of theCASR gene, is not expected to trigger nonsense-mediated mRNAdecay, and only impacts the last 6.5% of the protein. The exact functional effect of this alteration is unknown. Based on the available evidence, the clinical significance of this variant remains unclear.

Genetic Services Laboratory, University of Chicago
Classification: Likely pathogenic. Last evaluated: 2018-09-11. Review status: criteria provided, single submitter. Criteria: ACMG Guidelines, 2015. Collection method: clinical testing. Allele origin: germline. Affected: yes.
Comment: DNA sequence analysis of the CASR gene demonstrated a sequence change, c.3025C>T, which results in the creation of a premature stop codon at amino acid position, p.Arg1009*. This sequence change is predicted to result in an abnormal transcript, which may be degraded, or may lead to the production of a truncated CASR protein with potentially abnormal function. This sequence change has not been previously described in a patient with CASR-related disorders. However, other truncating variants in the same exon have been reported in association with hypocalciuric hypercalcaemia and hypocalcemia phenotypes.

Literature cited by the submitters: PubMed 35571021 (cited by Labcorp Genetics (formerly Invitae), Labcorp).